The following is an entry in ClinVar:

NM_000213.5(ITGB4):c.1843G>A (p.Glu615Lys)

Gene: ITGB4 (integrin subunit beta 4; plus strand). Cytogenetic location: 17q25.1.
Variant type: single nucleotide variant.
Coding change: c.1843G>A on transcript NM_000213.5 (MANE Select); coding-DNA position 1843, G replaced by A.
Protein change: p.Glu615Lys; replaces glutamic acid 615 with lysine.
Molecular consequence: missense variant.
Genome position (GRCh38, 1-based): chr17:75,736,369, G>A. VCF-style: chr17-75736369-G-A. GRCh37 (hg19) VCF-style: chr17-73732450-G-A.
Other names: c.1843G>A, p.Glu615Lys (NM_001005619.2, NM_001005731.3, NM_001321123.2 and 1 more transcripts); short protein forms E615K.
Identifiers: ClinVar variation 5005816 (VCV005005816.2).
Genomic context (GRCh38, chr17:75,736,369, plus strand): 5'-CACTGTGAGTGTGGCCGCTGCCACTGCCACCAGCAGTCGCTCTACACGGACACCATCTGC[G>A]AGATCAACTACTCGGCGGTGAGGCTAAGACCTACGAGGTGTGGGCGTGGGAACAGGGCAG-3'
Protein context (NP_000204.3, residues 605-625): QQSLYTDTIC[Glu615Lys]INYSAIHPGL

ClinVar aggregate classification (germline): Uncertain significance (1 of 4 stars; one submission).

Conditions:
Junctional epidermolysis bullosa with pyloric atresia. Also called: APLASIA CUTIS CONGENITA WITH GASTROINTESTINAL ATRESIA; CARMI SYNDROME; EPIDERMOLYSIS BULLOSA, JUNCTIONAL 5B, WITH PYLORIC ATRESIA; Junctional Epidermolysis Bullosa- Pyloric Atresia Syndrome; EB-PA-ACC; ITGB4-Related Epidermolysis Bullosa with Pyloric Atresia. Identifiers: Orphanet 79403, MedGen C5676875, MONDO:0009183, OMIM 226730.
Epidermolysis bullosa, junctional 5A, intermediate. Also called: EPIDERMOLYSIS BULLOSA, JUNCTIONAL 5A, GENERALIZED INTERMEDIATE; EPIDERMOLYSIS BULLOSA, JUNCTIONAL 5A, NON-HERLITZ TYPE. Identifiers: MedGen C5676956, MONDO:0030768, OMIM 619816.

gnomAD v4.1: 7 of 1,614,168 alleles (0.00043%); highest among the groups gnomAD compares: Non-Finnish European, 0.00059%; no homozygotes.

Submission:

Juno Genomics, Hangzhou Juno Genomics, Inc
Classification: Uncertain significance for Epidermolysis bullosa, junctional 5A, intermediate; Junctional epidermolysis bullosa with pyloric atresia. Review status: criteria provided, single submitter. Criteria: ACMG Guidelines, 2015. Collection method: clinical testing. Allele origin: germline.
Comment: Absent from controls (or at extremely low frequency if recessive) in Genome Aggregation Database.;Multiple lines of computational evidence support a deleterious effect on the gene or gene product.